The following is an entry in ClinVar:

ClinVar aggregate classification (germline): Uncertain significance (1 of 4 stars; one submission).

Allele frequency attached by ClinVar (database versions not stated): gnomAD 0.00006; gnomAD exomes 0.00007; ExAC 0.00008; ESP Exome Variant Server 0.00008; TOPMed 0.00009.
gnomAD v4.1: 107 of 1,614,006 alleles (0.0066%); highest among the groups gnomAD compares: Non-Finnish European, 0.0071%; no homozygotes.

Submission:

Labcorp Genetics (formerly Invitae), Labcorp
Classification: Uncertain significance. Last evaluated: 2022-12-31. Review status: criteria provided, single submitter. Criteria: Invitae Variant Classification Sherloc (09022015). Collection method: clinical testing. Allele origin: germline.
Comment: In summary, the available evidence is currently insufficient to determine the role of this variant in disease. Therefore, it has been classified as a Variant of Uncertain Significance. Algorithms developed to predict the effect of missense changes on protein structure and function (SIFT, PolyPhen-2, Align-GVGD) all suggest that this variant is likely to be disruptive. This variant has not been reported in the literature in individuals affected with EPHA4-related conditions. This variant is present in population databases (rs200282869, gnomAD 0.04%). This sequence change replaces serine, which is neutral and polar, with cysteine, which is neutral and slightly polar, at codon 738 of the EPHA4 protein (p.Ser738Cys).

NM_004438.5(EPHA4):c.2213C>G (p.Ser738Cys)

Gene: EPHA4 (EPH receptor A4; minus strand). Cytogenetic location: 2q36.1.
Variant type: single nucleotide variant.
Coding change: c.2213C>G on transcript NM_004438.5 (MANE Select); coding-DNA position 2213, C replaced by G.
Protein change: p.Ser738Cys; replaces serine 738 with cysteine.
Molecular consequence: missense variant.
Genome position (GRCh38, 1-based): chr2:221,436,532, G>C on the plus strand (C>G on the coding strand, the complement: EPHA4 is on the minus strand). VCF-style: chr2-221436532-G-C. GRCh37 (hg19) VCF-style: chr2-222301252-G-C.
Other names: c.2213C>G, p.Ser738Cys (NM_001304536.2, NM_001363748.2); c.2060C>G, p.Ser687Cys (NM_001304537.2); short protein forms S687C, S738C.
Identifiers: ClinVar variation 2192948 (VCV002192948.4), dbSNP rs200282869, ClinGen allele CA2134830.